The following is an entry in ClinVar:

NM_000444.6(PHEX):c.934-1G>T

Gene: PHEX (phosphate regulating endopeptidase X-linked; plus strand). Cytogenetic location: Xp22.11.
Variant type: single nucleotide variant.
Coding change: c.934-1G>T on transcript NM_000444.6 (MANE Select); the canonical splice acceptor site of the intron before coding-DNA position 934, G replaced by T.
Molecular consequence: splice acceptor variant.
Genome position (GRCh38, 1-based): chrX:22,099,005, G>T. VCF-style: chrX-22099005-G-T. GRCh37 (hg19) VCF-style: chrX-22117123-G-T.
Other names: c.934-1G>T (NM_001282754.2).
Identifiers: ClinVar variation 803749 (VCV000803749.11), dbSNP rs1602292528, ClinGen allele CA412572730.

ClinVar aggregate classification (germline): Pathogenic. Review status: criteria provided, multiple submitters, no conflicts (2 of 4 stars). 2 submissions from 2 submitters: Pathogenic (2). Last evaluated 2019-12-24.

Conditions:
Familial X-linked hypophosphatemic vitamin D refractory rickets (XLHRD). Also called: HYPOPHOSPHATEMIC VITAMIN D-RESISTANT RICKETS; Hypophosphatemia, vitamin D-resistant rickets; Vitamin D-resistant rickets, X-linked; X-Linked Hypophosphatemia; Hypophosphatemic Rickets, X-Linked Dominant. Identifiers: Orphanet 89936, MedGen C0733682, MONDO:0010619, OMIM 307800.

Submissions (2):

Labcorp Genetics (formerly Invitae), Labcorp
Classification: Pathogenic. Last evaluated: 2019-12-24. Review status: criteria provided, single submitter. Criteria: Invitae Variant Classification Sherloc (09022015). Collection method: clinical testing. Allele origin: germline.
Comment: For these reasons, this variant has been classified as Pathogenic. Donor and acceptor splice site variants typically lead to a loss of protein function (PMID: 16199547), and loss-of-function variants in PHEX are known to be pathogenic (PMID: 9097956, 9106524, 19219621). Algorithms developed to predict the effect of sequence changes on RNA splicing suggest that this variant may disrupt the consensus splice site, but this prediction has not been confirmed by published transcriptional studies. This variant has been observed in individual(s) with hypophosphatemic rickets (PMID: 24926462, 30682568). This variant is not present in population databases (ExAC no frequency). This sequence change affects an acceptor splice site in intron 8 of the PHEX gene. It is expected to disrupt RNA splicing and likely results in an absent or disrupted protein product.

Mendelics
Classification: Pathogenic for Familial X-linked hypophosphatemic vitamin D refractory rickets. Last evaluated: 2019-05-28. Review status: criteria provided, single submitter. Criteria: Mendelics Assertion Criteria 2017. Collection method: clinical testing. Allele origin: unknown.

Literature cited by the submitters: PubMed 16199547 (cited by Labcorp Genetics (formerly Invitae), Labcorp); PubMed 9097956 (cited by Labcorp Genetics (formerly Invitae), Labcorp); PubMed 9106524 (cited by Labcorp Genetics (formerly Invitae), Labcorp); PubMed 19219621 (cited by Labcorp Genetics (formerly Invitae), Labcorp); PubMed 24926462 (cited by Labcorp Genetics (formerly Invitae), Labcorp); PubMed 30682568 (cited by Labcorp Genetics (formerly Invitae), Labcorp).